The following is an entry in ClinVar:

ClinVar aggregate classification (germline): Conflicting classifications of pathogenicity. Review status: criteria provided, conflicting classifications (1 of 4 stars). 6 submissions from 6 submitters: Uncertain significance (5); Likely benign (1). Last evaluated 2026-07-17.

Conditions:
Inborn genetic diseases. Identifiers: MedGen C0950123, MeSH D030342.
Congenital myasthenic syndrome 10. Also called: Myasthenia, limb-girdle, familial. Identifiers: Orphanet 590, MedGen C1850792, MONDO:0009690, OMIM 254300.
DOK7-related disorder. Also called: DOK7-related condition.
Fetal akinesia deformation sequence 1 (FADS1). Also called: Pena-Shokeir syndrome type I; Fetal akinesia sequence. Identifiers: Orphanet 994, MedGen C1276035, MONDO:0100101, OMIM 208150, HP:0001989.

Allele frequency attached by ClinVar (database versions not stated): ESP Exome Variant Server 0.00008; TOPMed 0.00045; 1000 Genomes Project 30x 0.00047; 1000 Genomes Project 0.00080.
gnomAD v4.1: 161 of 1,556,442 alleles (0.01%); highest among the groups gnomAD compares: African/African-American, 0.11%; no homozygotes.

Submissions (6):

GeneDx
Classification: Uncertain significance. Last evaluated: 2026-07-17. Review status: criteria provided, single submitter. Criteria: GeneDx Variant Classification Process June 2021. Collection method: clinical testing. Allele origin: germline.
Comment: In silico analysis supports that this missense variant has a deleterious effect on protein structure/function; Has not been previously published as pathogenic or benign to our knowledge

Labcorp Genetics (formerly Invitae), Labcorp
Classification: Likely benign for Congenital myasthenic syndrome 10; Fetal akinesia deformation sequence 1. Last evaluated: 2026-01-27. Review status: criteria provided, single submitter. Criteria: Invitae Variant Classification Sherloc (09022015). Collection method: clinical testing. Allele origin: germline.

PreventionGenetics, part of Exact Sciences
Classification: Uncertain significance for DOK7-related condition. Last evaluated: 2025-07-01. Review status: criteria provided, single submitter. Criteria: ACMG Guidelines, 2015. Collection method: clinical testing. Allele origin: germline.
Comment: The DOK7 c.956C>A variant is predicted to result in the amino acid substitution p.Pro319His. To our knowledge, this variant has not been reported in the literature. This variant is reported in 0.099% of alleles in individuals of African descent in gnomAD. Although we suspect that this variant may be benign, at this time, the clinical significance of this variant is uncertain due to the absence of conclusive functional and genetic evidence.

Ambry Genetics
Classification: Uncertain significance for Inborn genetic diseases. Last evaluated: 2024-07-27. Review status: criteria provided, single submitter. Criteria: Ambry Variant Classification Scheme 2023. Collection method: clinical testing. Allele origin: germline.

Neuberg Centre For Genomic Medicine, NCGM
Classification: Uncertain significance for Congenital myasthenic syndrome 10. Last evaluated: 2023-05-20. Review status: criteria provided, single submitter. Criteria: ACMG Guidelines, 2015. Collection method: clinical testing. Allele origin: germline. Inheritance: Autosomal recessive inheritance. Affected: yes.
Comment: The observed missense c.956C>A(p.Pro319His) variant in DOK7 gene has not been reported previously as a pathogenic variant nor a benign variant, to our knowledge. The p.Pro319His variant has been reported with allele frequency of 0.01% in gnomAD Exomes. This variant has been submitted to the ClinVar database as Uncertain Significance. Multiple lines of computational evidences (Polyphen - Benign, SIFT - Damaging and MutationTaster - Polymorphism) predict conflicting evidence on protein structure and function for this variant. The reference amino acid is predicted as conserved by GERP++ and PhyloP across 100 vertebrates. The amino acid Pro at position 319 is changed to a His changing protein sequence and it might alter its composition and physico-chemical properties. For these reasons, this variant has been classified as a Variant of Uncertain Significance (VUS).

New York Genome Center
Classification: Uncertain significance for Congenital myasthenic syndrome 10. Last evaluated: 2021-05-21. Review status: criteria provided, single submitter. Criteria: NYGC Assertion Criteria 2020. Collection method: clinical testing. Allele origin: inherited. Observed: 1 variant allele. Study: CSER-NYCKidSeq.

NM_173660.5(DOK7):c.956C>A (p.Pro319His)

Gene: DOK7 (docking protein 7; plus strand). Cytogenetic location: 4p16.3.
Variant type: single nucleotide variant.
Coding change: c.956C>A on transcript NM_173660.5 (MANE Select); coding-DNA position 956, C replaced by A.
Protein change: p.Pro319His; replaces proline 319 with histidine.
Molecular consequence: missense variant. On other transcripts: 3 prime UTR variant (1).
Genome position (GRCh38, 1-based): chr4:3,492,942, C>A. VCF-style: chr4-3492942-C-A. GRCh37 (hg19) VCF-style: chr4-3494669-C-A.
Other names: c.*177C>A (NM_001164673.2); c.26C>A, p.Pro9His (NM_001256896.2); c.956C>A, p.Pro319His (NM_001301071.2); c.524C>A, p.Pro175His (NM_001363811.2); short protein forms P319H, P175H, P9H.
Identifiers: ClinVar variation 841965 (VCV000841965.20), dbSNP rs376334067, ClinGen allele CA2829300.